The following is an entry in ClinVar:

ClinVar aggregate classification (germline): Benign (1 of 4 stars; one submission).

gnomAD v4.1: 2,337 of 1,614,166 alleles (0.14%); highest among the groups gnomAD compares: African/African-American, 2.8%; 29 homozygotes.

Submission:

Women's Health and Genetics/Laboratory Corporation of America, LabCorp
Classification: Benign. Last evaluated: 2026-01-29. Review status: criteria provided, single submitter. Criteria: LabCorp Variant Classification Summary - May 2015. Collection method: clinical testing. Allele origin: germline.
Comment: Variant summary: COPG1 c.2478C>T alters a conserved nucleotide resulting in a synonymous change. Consensus agreement among computation tools predict no significant impact on normal splicing. However, these predictions have yet to be confirmed by functional studies. The variant allele was found at a frequency of 0.0023 in 251458 control chromosomes, predominantly at a frequency of 0.032 within the African or African-American subpopulation in the gnomAD database, including 7 homozygotes. The observed variant frequency within African or African-American control individuals in the gnomAD database exceeds the estimated maximal expected allele frequency for disease-causing variants in COPG1. To our knowledge, no occurrence of c.2478C>T in individuals affected with COPG1-related conditions and no experimental evidence demonstrating its impact on protein function have been reported. No submitters have cited clinical-significance assessments for this variant to ClinVar. Based on the evidence outlined above, the variant was classified as benign.

NM_016128.4(COPG1):c.2478C>T (p.His826=)

Gene: COPG1 (coat protein complex I subunit gamma 1; plus strand). Cytogenetic location: 3q21.3.
Variant type: single nucleotide variant.
Coding change: c.2478C>T on transcript NM_016128.4 (MANE Select); coding-DNA position 2478, C replaced by T.
Protein change: p.His826=; no amino-acid change (histidine 826 retained).
Molecular consequence: synonymous variant.
Genome position (GRCh38, 1-based): chr3:129,275,276, C>T. VCF-style: chr3-129275276-C-T. GRCh37 (hg19) VCF-style: chr3-128994119-C-T.
Identifiers: ClinVar variation 4688995 (VCV004688995.1).
Genomic context (GRCh38, chr3:129,275,276, plus strand): 5'-GTTCTTGGGAATGCACCCTTGTGAGAGGTCAGACAAAGTGCCGGATAACAAGAACACCCA[C>T]ACGTTGCTCCTGGCTGGTAAGTGGCATTTCTAGATGGGGAGGGCCTGGATAGCTTACAGC-3'
Protein context (NP_057212.1, residues 816-836): SDKVPDNKNT[His826=]TLLLAGVFRG